The following is an entry in ClinVar:

NM_000329.3(RPE65):c.1104_1105insA (p.Val369fs)

Gene: RPE65 (retinoid isomerohydrolase RPE65; minus strand). Cytogenetic location: 1p31.3.
Variant type: Insertion.
Coding change: c.1104_1105insA on transcript NM_000329.3 (MANE Select); coding-DNA positions 1104 to 1105, A inserted.
Protein change: p.Val369fs; shifts the reading frame from valine 369.
Molecular consequence: frameshift variant.
Genome position: GRCh38 VCF-style: chr1-68438210-C-CT. GRCh37 (hg19) VCF-style: chr1-68903893-C-CT.
Other names: c.996_997insA, p.Val333fs (NM_001406853.1); c.828_829insA, p.Val277fs (NM_001406856.1, NM_001406857.1); c.1104_1105insA, p.Val369fs (NM_001406859.1); short protein forms V277fs, V333fs, V369fs.
Identifiers: ClinVar variation 5015033 (VCV005015033.1).

ClinVar aggregate classification (germline): Pathogenic (1 of 4 stars; one submission).

Conditions:
RPE65-related recessive retinopathy. Also called: Recessive RPE65 retinopathy. Identifiers: MedGen CN305526, MONDO:0100368.

Submission:

Myriad Genetics, Inc.
Classification: Pathogenic for RPE65-related recessive retinopathy. Last evaluated: 2025-09-29. Review status: criteria provided, single submitter. Criteria: Myriad Autosomal Dominant, Autosomal Recessive and X-Linked Classification Criteria (2023). Collection method: clinical testing. Allele origin: unknown.
Comment: NM_000329.2(RPE65):c.1104_1105insA(V369Sfs*7) is expected to be pathogenic in the context of inherited retinal dystrophy, RPE65-related. This variant is predicted to lead to an abnormal or absent protein product due to the creation of a premature termination codon in RPE65, a gene where loss-of-function variants are known to be pathogenic. Please note: this variant was assessed in the context of healthy population screening.